The following is an entry in ClinVar:

NM_001130965.3(SUN1):c.824C>T (p.Ser275Phe)

Gene: SUN1 (Sad1 and UNC84 domain containing 1; plus strand). Cytogenetic location: 7p22.3.
Variant type: single nucleotide variant.
Coding change: c.824C>T on transcript NM_001130965.3 (MANE Select); coding-DNA position 824, C replaced by T.
Protein change: p.Ser275Phe; replaces serine 275 with phenylalanine.
Molecular consequence: missense variant. On other transcripts: synonymous variant (1), non-coding transcript variant (3).
Genome position (GRCh38, 1-based): chr7:852,016, C>T. VCF-style: chr7-852016-C-T. GRCh37 (hg19) VCF-style: chr7-891653-C-T.
Other names: c.518C>T, p.Ser173Phe (NM_001171944.2); c.824C>T, p.Ser275Phe (NM_001367633.1, NM_001367634.1, NM_001367653.1 and 3 more transcripts); c.473C>T, p.Ser158Phe (NM_001367635.1); c.1067C>T, p.Ser356Phe (NM_001367636.1, NM_001367655.1, NM_001367666.1 and 1 more transcripts); c.935C>T, p.Ser312Phe (NM_001367638.1, NM_001367696.1, NM_001367664.1 and 1 more transcripts); c.368C>T, p.Ser123Phe (NM_001367639.1); c.1007C>T, p.Ser336Phe (NM_001367640.1, NM_001367675.1, NM_001367676.1); c.1106C>T, p.Ser369Phe (NM_001367641.1, NM_001367698.1, NM_001367682.1); and 24 more; short protein forms S192F, S220F, S229F, S290F, S312F, S340F, S356F, S373F.
Identifiers: ClinVar variation 2243606 (VCV002243606.3), dbSNP rs758327809, ClinGen allele CA4111931.

ClinVar aggregate classification (germline): Uncertain significance. Review status: criteria provided, multiple submitters, no conflicts (2 of 4 stars). 2 submissions from 2 submitters: Uncertain significance (2). Last evaluated 2025-10-28.

Conditions:
Emery-Dreifuss muscular dystrophy (EDMD). Also called: Scapuloperoneal syndrome, X-linked (formerly); Humeroperoneal neuromuscular disease, (formerly). Identifiers: Orphanet 261, MedGen C0410189, MONDO:0016830.

Allele frequency attached by ClinVar (database versions not stated): ExAC 0.00001; gnomAD 0.00001; gnomAD exomes 0.00001.

Submissions (2):

Labcorp Genetics (formerly Invitae), Labcorp
Classification: Uncertain significance for Emery-Dreifuss muscular dystrophy. Last evaluated: 2025-10-28. Review status: criteria provided, single submitter. Criteria: Invitae Variant Classification Sherloc (09022015). Collection method: clinical testing. Allele origin: germline.
Comment: This sequence change replaces serine, which is neutral and polar, with phenylalanine, which is neutral and non-polar, at codon 275 of the SUN1 protein (p.Ser275Phe). This variant is present in population databases (rs758327809, gnomAD 0.006%). This variant has not been reported in the literature in individuals affected with SUN1-related conditions. ClinVar contains an entry for this variant (Variation ID: 2243606). An algorithm developed to predict the effect of missense changes on protein structure and function (PolyPhen-2) suggests that this variant is likely to be disruptive. In summary, the available evidence is currently insufficient to determine the role of this variant in disease. Therefore, it has been classified as a Variant of Uncertain Significance.

Ambry Genetics
Classification: Uncertain significance. Last evaluated: 2021-08-12. Review status: criteria provided, single submitter. Criteria: Ambry Variant Classification Scheme 2023. Collection method: clinical testing. Allele origin: germline.